The following is an entry in ClinVar:

ClinVar aggregate classification (germline): Pathogenic/Likely pathogenic. Review status: criteria provided, multiple submitters, no conflicts (2 of 4 stars). 2 submissions from 2 submitters: Pathogenic (1); Likely pathogenic (1). Last evaluated 2024-01-18.

Conditions:
TCAP-related disorder. Also called: TCAP-related condition.
Primary familial hypertrophic cardiomyopathy (HCM). Identifiers: Orphanet 99739, MedGen C0949658, MeSH D024741, MONDO:0024573. Inheritance: Various modes of inheritance.
Hypertrophic cardiomyopathy 25 (CMH25). Also called: CARDIOMYOPATHY, FAMILIAL HYPERTROPHIC, 25. Identifiers: MedGen C4225408, MONDO:0011843, OMIM 607487.

Submissions (2):

Blueprint Genetics
Classification: Pathogenic for TCAP-related disorders. Last evaluated: 2024-01-18. Review status: criteria provided, single submitter. Criteria: ACMG Guidelines, 2015. Collection method: clinical testing. Allele origin: germline. Affected: yes. Observed: 5 variant alleles.

Labcorp Genetics (formerly Invitae), Labcorp
Classification: Likely pathogenic for Hypertrophic cardiomyopathy 25; Primary familial hypertrophic cardiomyopathy. Last evaluated: 2020-05-30. Review status: criteria provided, single submitter. Criteria: Invitae Variant Classification Sherloc (09022015). Collection method: clinical testing. Allele origin: germline.
Comment: This sequence change results in a premature translational stop signal in the TCAP gene (p.Cys57*). While this is not anticipated to result in nonsense mediated decay, it is expected to disrupt the last 111 amino acids of the TCAP protein. This variant is not present in population databases (ExAC no frequency). This variant has been observed in individual(s) with clinical features of limb-girdle muscular dystrophy (Invitae). This variant disrupts the C-terminus of the TCAP protein. Other variant(s) that disrupt this region (Q58*, Q82*, Y85*) have been observed in individuals with TCAP-related conditions (PMID: 21530252, 25724973, 27618135). This suggests that this may be a clinically significant region of the protein. In summary, the currently available evidence indicates that the variant is pathogenic, but additional data are needed to prove that conclusively. Therefore, this variant has been classified as Likely Pathogenic.

Literature cited by the submitters: PubMed 21530252 (cited by Labcorp Genetics (formerly Invitae), Labcorp); PubMed 25724973 (cited by Labcorp Genetics (formerly Invitae), Labcorp); PubMed 27618135 (cited by Labcorp Genetics (formerly Invitae), Labcorp).

NM_003673.4(TCAP):c.171C>A (p.Cys57Ter)

Gene: TCAP (titin-cap; plus strand). Cytogenetic location: 17q12.
Variant type: single nucleotide variant.
Coding change: c.171C>A on transcript NM_003673.4 (MANE Select); coding-DNA position 171, C replaced by A.
Protein change: p.Cys57Ter; replaces cysteine 57 with a stop codon.
Molecular consequence: nonsense.
Genome position (GRCh38, 1-based): chr17:39,665,776, C>A. VCF-style: chr17-39665776-C-A. GRCh37 (hg19) VCF-style: chr17-37822029-C-A.
Other names: short protein forms C57*.
Identifiers: ClinVar variation 1066432 (VCV001066432.10), dbSNP rs369447207, ClinGen allele CA290433996.
Genomic context (GRCh38, chr17:39,665,776, plus strand): 5'-CTGCTCCCTGCATGAGGAGGACACCCAGAGACATGAGACCTACCACCAGCAGGGGCAGTG[C>A]CAGGTGCTGGTGCAGCGCTCGCCCTGGCTGATGATGCGGATGGGCATCCTCGGCCGTGGG-3'